The following is an entry in ClinVar:

ClinVar aggregate classification (germline): Uncertain significance (1 of 4 stars; one submission).

Conditions:
Diamond-Blackfan anemia. Also called: Blackfan Diamond syndrome; Aregenerative anemia chronic congenital; Red cell aplasia, pure hereditary; Congenital hypoplastic anemia; Aase syndrome. Identifiers: Orphanet 124, MedGen C1260899, MeSH D029503, MONDO:0015253, HP:0004810.

gnomAD v4.1: 1 of 1,613,744 alleles (0.000062%); highest among the groups gnomAD compares: South Asian, 0.0011%; no homozygotes.

Submission:

Labcorp Genetics (formerly Invitae), Labcorp
Classification: Uncertain significance for Diamond-Blackfan anemia. Last evaluated: 2025-04-22. Review status: criteria provided, single submitter. Criteria: Invitae Variant Classification Sherloc (09022015). Collection method: clinical testing. Allele origin: germline.
Comment: This sequence change replaces alanine, which is neutral and non-polar, with threonine, which is neutral and polar, at codon 20 of the RPS19 protein (p.Ala20Thr). This variant is not present in population databases (gnomAD no frequency). This variant has not been reported in the literature in individuals affected with RPS19-related conditions. An algorithm developed to predict the effect of missense changes on protein structure and function (PolyPhen-2) suggests that this variant is likely to be tolerated. In summary, the available evidence is currently insufficient to determine the role of this variant in disease. Therefore, it has been classified as a Variant of Uncertain Significance.

NM_001022.4(RPS19):c.58G>A (p.Ala20Thr)

Genes: RPS19 (ribosomal protein S19; plus strand), RPS19-CD79A (RPS19-CD79A readthrough; plus strand). Cytogenetic location: 19q13.2.
Variant type: single nucleotide variant.
Coding change: c.58G>A on transcript NM_001022.4 (MANE Select); coding-DNA position 58, G replaced by A.
Protein change: p.Ala20Thr; replaces alanine 20 with threonine.
Molecular consequence: missense variant.
Genome position (GRCh38, 1-based): chr19:41,860,832, G>A. VCF-style: chr19-41860832-G-A. GRCh37 (hg19) VCF-style: chr19-42364902-G-A.
Other names: c.58G>A, p.Ala20Thr (NM_001321483.2, NM_001321484.2, NM_001321485.2); short protein forms A20T.
Identifiers: ClinVar variation 4699353 (VCV004699353.1).